The following is an entry in ClinVar:

ClinVar aggregate classification (germline): Uncertain significance. Review status: criteria provided, multiple submitters, no conflicts (2 of 4 stars). 4 submissions from 4 submitters: Uncertain significance (4). Last evaluated 2025-03-31.

Conditions:
Leber congenital amaurosis 3 (LCA3). Also called: SPATA7-Related Retinitis Pigmentosa. Identifiers: MedGen C1858677, MONDO:0011415, OMIM 604232.
Inborn genetic diseases. Identifiers: MedGen C0950123, MeSH D030342.

Allele frequency attached by ClinVar (database versions not stated): ExAC 0.00003; TOPMed 0.00012; 1000 Genomes Project 30x 0.00031; 1000 Genomes Project 0.00040.
gnomAD v4.1: 37 of 1,613,910 alleles (0.0023%); highest among the groups gnomAD compares: Admixed American, 0.02%; no homozygotes.

Submissions (4):

Dasa
Classification: Uncertain significance. Last evaluated: 2025-03-31. Review status: criteria provided, single submitter. Criteria: DASA Assertion Criteria. Collection method: clinical testing. Allele origin: germline.
Comment: NM_018418.5(SPATA7):c.770G>A (p.Arg257His) is a missense variant that results in the substitution of arginine with histidine. This variant has been observed in affected individuals with SPATA7-related disorders. Also, this variant is rare in population databases. The currently available literature and clinical evidence are not sufficient to establish a definitive association between this variant and the reported condition. Therefore, this variant is classified as a variant of uncertain significance.

Ambry Genetics
Classification: Uncertain significance for Inborn genetic diseases. Last evaluated: 2024-11-09. Review status: criteria provided, single submitter. Criteria: Ambry Variant Classification Scheme 2023. Collection method: clinical testing. Allele origin: germline.

Labcorp Genetics (formerly Invitae), Labcorp
Classification: Uncertain significance for Leber congenital amaurosis 3. Last evaluated: 2024-10-25. Review status: criteria provided, single submitter. Criteria: Invitae Variant Classification Sherloc (09022015). Collection method: clinical testing. Allele origin: germline.
Comment: This sequence change replaces arginine, which is basic and polar, with histidine, which is basic and polar, at codon 257 of the SPATA7 protein (p.Arg257His). This variant is present in population databases (rs533185075, gnomAD 0.003%). This variant has not been reported in the literature in individuals affected with SPATA7-related conditions. ClinVar contains an entry for this variant (Variation ID: 1038512). Invitae Evidence Modeling of protein sequence and biophysical properties (such as structural, functional, and spatial information, amino acid conservation, physicochemical variation, residue mobility, and thermodynamic stability) indicates that this missense variant is expected to disrupt SPATA7 protein function with a positive predictive value of 80%. In summary, the available evidence is currently insufficient to determine the role of this variant in disease. Therefore, it has been classified as a Variant of Uncertain Significance.

Blueprint Genetics
Classification: Uncertain significance. Last evaluated: 2022-04-08. Review status: criteria provided, single submitter. Criteria: ACMG Guidelines, 2015. Collection method: clinical testing. Allele origin: germline.

NM_018418.5(SPATA7):c.770G>A (p.Arg257His)

Gene: SPATA7 (spermatogenesis associated 7; plus strand). Cytogenetic location: 14q31.3.
Variant type: single nucleotide variant.
Coding change: c.770G>A on transcript NM_018418.5 (MANE Select); coding-DNA position 770, G replaced by A.
Protein change: p.Arg257His; replaces arginine 257 with histidine.
Molecular consequence: missense variant.
Genome position (GRCh38, 1-based): chr14:88,426,629, G>A. VCF-style: chr14-88426629-G-A. GRCh37 (hg19) VCF-style: chr14-88892973-G-A.
Other names: c.674G>A, p.Arg225His (NM_001040428.4); c.770G>A (NM_018418.4); short protein forms R225H, R257H.
Identifiers: ClinVar variation 1038512 (VCV001038512.10), dbSNP rs533185075, ClinGen allele CA7298589.